The following is an entry in ClinVar:

NM_016284.5(CNOT1):c.6964C>G (p.Leu2322Val)

Genes: CNOT1 (CCR4-NOT transcription complex subunit 1; minus strand), SETD6 (SET domain containing 6, protein lysine methyltransferase; plus strand). Cytogenetic location: 16q21.
Variant type: single nucleotide variant.
Coding change: c.6964C>G on transcript NM_016284.5 (MANE Select); coding-DNA position 6964, C replaced by G.
Protein change: p.Leu2322Val; replaces leucine 2322 with valine.
Molecular consequence: missense variant. On other transcripts: non-coding transcript variant (1), 3 prime UTR variant (1).
Genome position (GRCh38, 1-based): chr16:58,521,271, G>C on the plus strand (C>G on the coding strand, the complement: CNOT1 is on the minus strand). VCF-style: chr16-58521271-G-C. GRCh37 (hg19) VCF-style: chr16-58555175-G-C.
Other names: c.6949C>G, p.Leu2317Val (NM_001265612.2); c.*2242G>C (NM_001160305.4); short protein forms L2317V, L2322V.
Identifiers: ClinVar variation 3253254 (VCV003253254.1), dbSNP rs2543787004.

ClinVar aggregate classification (germline): Uncertain significance (1 of 4 stars; one submission).

Submission:

GeneDx
Classification: Uncertain significance. Last evaluated: 2023-08-17. Review status: criteria provided, single submitter. Criteria: GeneDx Variant Classification Process June 2021. Collection method: clinical testing. Allele origin: germline. Affected: yes.
Comment: Not observed at significant frequency in large population cohorts (gnomAD); In silico analysis supports that this missense variant has a deleterious effect on protein structure/function; Has not been previously published as pathogenic or benign to our knowledge